The following is an entry in ClinVar:

NM_002857.4(PEX19):c.484A>G (p.Met162Val)

Gene: PEX19 (peroxisomal biogenesis factor 19; minus strand). Cytogenetic location: 1q23.2.
Variant type: single nucleotide variant.
Coding change: c.484A>G on transcript NM_002857.4 (MANE Select); coding-DNA position 484, A replaced by G.
Protein change: p.Met162Val; replaces methionine 162 with valine.
Molecular consequence: missense variant. On other transcripts: non-coding transcript variant (2).
Genome position (GRCh38, 1-based): chr1:160,282,149, T>C on the plus strand (A>G on the coding strand, the complement: PEX19 is on the minus strand). VCF-style: chr1-160282149-T-C. GRCh37 (hg19) VCF-style: chr1-160251939-T-C.
Other names: c.484A>G (NM_002857.3); c.484A>G, p.Met162Val (NM_001193644.1); short protein forms M162V.
Identifiers: ClinVar variation 2164694 (VCV002164694.5), dbSNP rs1205563557, ClinGen allele CA343260407.

ClinVar aggregate classification (germline): Uncertain significance. Review status: criteria provided, multiple submitters, no conflicts (2 of 4 stars). 2 submissions from 2 submitters: Uncertain significance (2). Last evaluated 2025-02-09.

Conditions:
Peroxisome biogenesis disorder 12A (Zellweger). Also called: Peroxisome biogenesis disorder 12A. Identifiers: Orphanet 912, MedGen C3554002, MONDO:0013951, OMIM 614886.
Inborn genetic diseases. Identifiers: MedGen C0950123, MeSH D030342.

Allele frequency attached by ClinVar (database versions not stated): TOPMed below 0.00001.

Submissions (2):

Ambry Genetics
Classification: Uncertain significance for Inborn genetic diseases. Last evaluated: 2025-02-09. Review status: criteria provided, single submitter. Criteria: Ambry Variant Classification Scheme 2023. Collection method: clinical testing. Allele origin: germline.

Labcorp Genetics (formerly Invitae), Labcorp
Classification: Uncertain significance for Peroxisome biogenesis disorder 12A (Zellweger). Last evaluated: 2022-03-01. Review status: criteria provided, single submitter. Criteria: Invitae Variant Classification Sherloc (09022015). Collection method: clinical testing. Allele origin: germline.
Comment: This sequence change replaces methionine, which is neutral and non-polar, with valine, which is neutral and non-polar, at codon 162 of the PEX19 protein (p.Met162Val). This variant is present in population databases (no rsID available, gnomAD 0.01%). This variant has not been reported in the literature in individuals affected with PEX19-related conditions. Algorithms developed to predict the effect of missense changes on protein structure and function (SIFT, PolyPhen-2, Align-GVGD) all suggest that this variant is likely to be tolerated. In summary, the available evidence is currently insufficient to determine the role of this variant in disease. Therefore, it has been classified as a Variant of Uncertain Significance.